The following is an entry in ClinVar:

NM_147127.5(EVC2):c.519+15G>A

Gene: EVC2 (EvC ciliary complex subunit 2; minus strand). Cytogenetic location: 4p16.2.
Variant type: single nucleotide variant.
Coding change: c.519+15G>A on transcript NM_147127.5 (MANE Select); 15 bases into the intron after coding-DNA position 519, G replaced by A.
Molecular consequence: intron variant.
Genome position (GRCh38, 1-based): chr4:5,691,250, C>T on the plus strand (G>A on the coding strand, the complement: EVC2 is on the minus strand). VCF-style: chr4-5691250-C-T. GRCh37 (hg19) VCF-style: chr4-5692977-C-T.
Other names: c.279+15G>A (NM_001166136.2).
Identifiers: ClinVar variation 262617 (VCV000262617.17), dbSNP rs17688121, ClinGen allele CA2835432.

ClinVar aggregate classification (germline): Benign. Review status: criteria provided, multiple submitters, no conflicts (2 of 4 stars). 7 submissions from 7 submitters: Benign (7). Last evaluated 2026-05-08.

Conditions:
Ellis-van Creveld syndrome (EVC). Also called: Chondroectodermal dysplasia; MESOECTODERMAL DYSPLASIA. Identifiers: Orphanet 289, MedGen C0013903, MONDO:0009162, OMIM 225500.
Curry-Hall syndrome (WAD). Also called: WEYERS ACRODENTAL DYSOSTOSIS. Identifiers: Orphanet 952, MedGen C0457013, MONDO:0008673, OMIM 193530.

Allele frequency attached by ClinVar (database versions not stated): 1000 Genomes Project 30x 0.07683; 1000 Genomes Project 0.07808; TOPMed 0.10496; gnomAD 0.11080 and 0.11087; ESP Exome Variant Server 0.12062; ExAC 0.12514; gnomAD exomes 0.12533 and 0.14763.
gnomAD v4.1: 231,065 of 1,604,412 alleles (14%); highest among the groups gnomAD compares: Middle Eastern, 17%; 18,252 homozygotes.

Submissions (7):

Women's Health and Genetics/Laboratory Corporation of America, LabCorp
Classification: Benign. Last evaluated: 2026-05-08. Review status: criteria provided, single submitter. Criteria: LabCorp Variant Classification Summary - May 2015. Collection method: clinical testing. Allele origin: germline.

Labcorp Genetics (formerly Invitae), Labcorp
Classification: Benign for Curry-Hall syndrome; Ellis-van Creveld syndrome. Last evaluated: 2026-02-04. Review status: criteria provided, single submitter. Criteria: Invitae Variant Classification Sherloc (09022015). Collection method: clinical testing. Allele origin: germline.

Blueprint Genetics
Classification: Benign. Last evaluated: 2024-11-26. Review status: criteria provided, single submitter. Criteria: ACMG Guidelines, 2015. Collection method: clinical testing. Allele origin: germline.

Illumina Laboratory Services, Illumina
Classification: Benign for Ellis-van Creveld syndrome. Last evaluated: 2018-01-13. Review status: criteria provided, single submitter. Criteria: ICSL Variant Classification Criteria 13 December 2019. Collection method: clinical testing. Allele origin: germline.
Comment: This variant was observed in the ICSL laboratory as part of a predisposition screen in an ostensibly healthy population. It had not been previously curated by ICSL or reported in the Human Gene Mutation Database (HGMD: prior to June 1st, 2018), and was therefore a candidate for classification through an automated scoring system. Utilizing variant allele frequency, disease prevalence and penetrance estimates, and inheritance mode, an automated score was calculated to assess if this variant is too frequent to cause the disease. Based on the score and internal cut-off values, a variant classified as benign is not then subjected to further curation. The score for this variant resulted in a classification of benign for this disease.

GeneDx
Classification: Benign. Last evaluated: 2016-04-07. Review status: criteria provided, single submitter. Criteria: GeneDx Variant Classification (06012015). Collection method: clinical testing. Allele origin: germline. Affected: yes.
Comment: This variant is considered likely benign or benign based on one or more of the following criteria: it is a conservative change, it occurs at a poorly conserved position in the protein, it is predicted to be benign by multiple in silico algorithms, and/or has population frequency not consistent with disease.

Breakthrough Genomics
Classification: Benign. Review status: criteria provided, single submitter. Criteria: ACMG Guidelines, 2015. Collection method: not provided. Allele origin: germline. Inheritance: Autosomal recessive inheritance. Affected: yes.

PreventionGenetics, part of Exact Sciences
Classification: Benign. Review status: criteria provided, single submitter. Criteria: ACMG Guidelines, 2015. Collection method: clinical testing. Allele origin: germline.